The following is an entry in ClinVar:

NM_012203.2(GRHPR):c.23_26dup (p.Phe10fs)

Gene: GRHPR (glyoxylate and hydroxypyruvate reductase; plus strand). Cytogenetic location: 9p13.2.
Variant type: Duplication.
Coding change: c.23_26dup on transcript NM_012203.2 (MANE Select); coding-DNA positions 23 to 26, 4 bases duplicated (AGGT; older notation c.23_26dupAGGT).
Protein change: p.Phe10fs; shifts the reading frame from phenylalanine 10.
Molecular consequence: frameshift variant.
Genome position (GRCh38, 1-based): chr9:37,422,773-37,422,776, AGGT duplicated. VCF-style (leftmost placement, unchanged base first): chr9-37422772-A-AAGGT. GRCh37 (hg19) VCF-style: chr9-37422769-A-AAGGT.
Other names: short protein forms F10fs.
Identifiers: ClinVar variation 1074076 (VCV001074076.7), dbSNP rs2118848876, ClinGen allele CA2499219903.

ClinVar aggregate classification (germline): Pathogenic (1 of 4 stars; one submission).

Submission:

Labcorp Genetics (formerly Invitae), Labcorp
Classification: Pathogenic. Last evaluated: 2020-09-02. Review status: criteria provided, single submitter. Criteria: Invitae Variant Classification Sherloc (09022015). Collection method: clinical testing. Allele origin: germline.
Comment: For these reasons, this variant has been classified as Pathogenic. Loss-of-function variants in GRHPR are known to be pathogenic (PMID: 25644115). Algorithms developed to predict the effect of sequence changes on RNA splicing suggest that this variant may create or strengthen a splice site, but this prediction has not been confirmed by published transcriptional studies. This variant has not been reported in the literature in individuals with GRHPR-related conditions. This variant is not present in population databases (ExAC no frequency). This sequence change creates a premature translational stop signal (p.Phe10Glyfs*12) in the GRHPR gene. It is expected to result in an absent or disrupted protein product.

Literature cited by the submitters: PubMed 25644115.